The following is an entry in ClinVar:

NM_001374259.2(IL12RB2):c.2231T>A (p.Met744Lys)

Gene: IL12RB2 (interleukin 12 receptor subunit beta 2; plus strand). Cytogenetic location: 1p31.3.
Variant type: single nucleotide variant.
Coding change: c.2231T>A on transcript NM_001374259.2 (MANE Select); coding-DNA position 2231, T replaced by A.
Protein change: p.Met744Lys; replaces methionine 744 with lysine.
Molecular consequence: missense variant. On other transcripts: 3 prime UTR variant (3), non-coding transcript variant (2).
Genome position (GRCh38, 1-based): chr1:67,395,731, T>A. VCF-style: chr1-67395731-T-A. GRCh37 (hg19) VCF-style: chr1-67861414-T-A.
Other names: c.*151T>A (NM_001258214.1, NM_001319233.1); c.1973T>A, p.Met658Lys (NM_001258215.1); c.*132T>A (NM_001258216.1); c.2231T>A, p.Met744Lys (NM_001559.3); short protein forms M658K, M744K.
Identifiers: ClinVar variation 4723224 (VCV004723224.1).
Genomic context (GRCh38, chr1:67,395,731, plus strand): 5'-CCAACTGGCCACAAAGGGAAAAAGGAATCCAAGGTCATCAGGCCTCTGAGAAAGACATGA[T>A]GCACAGTGCCTCAAGCCCACCACCTCCAAGAGCTCTCCAAGCTGAGAGCAGACAACTGGT-3'
Protein context (NP_001361188.1, residues 734-754): QGHQASEKDM[Met744Lys]HSASSPPPPR

ClinVar aggregate classification (germline): Uncertain significance (1 of 4 stars; one submission).

Submission:

Labcorp Genetics (formerly Invitae), Labcorp
Classification: Uncertain significance. Last evaluated: 2025-07-29. Review status: criteria provided, single submitter. Criteria: Invitae Variant Classification Sherloc (09022015). Collection method: clinical testing. Allele origin: germline.
Comment: This sequence change replaces methionine, which is neutral and non-polar, with lysine, which is basic and polar, at codon 744 of the IL12RB2 protein (p.Met744Lys). This variant is not present in population databases (gnomAD no frequency). This variant has not been reported in the literature in individuals affected with IL12RB2-related conditions. An algorithm developed to predict the effect of missense changes on protein structure and function (PolyPhen-2) suggests that this variant is likely to be tolerated. In summary, the available evidence is currently insufficient to determine the role of this variant in disease. Therefore, it has been classified as a Variant of Uncertain Significance.